The following is an entry in ClinVar:

NM_000138.5(FBN1):c.8308C>T (p.His2770Tyr)

Gene: FBN1 (fibrillin 1; minus strand). Cytogenetic location: 15q21.1.
Variant type: single nucleotide variant.
Coding change: c.8308C>T on transcript NM_000138.5 (MANE Select); coding-DNA position 8308, C replaced by T.
Protein change: p.His2770Tyr; replaces histidine 2770 with tyrosine.
Molecular consequence: missense variant.
Genome position (GRCh38, 1-based): chr15:48,411,298, G>A on the plus strand (C>T on the coding strand, the complement: FBN1 is on the minus strand). VCF-style: chr15-48411298-G-A. GRCh37 (hg19) VCF-style: chr15-48703495-G-A.
Other names: short protein forms H2770Y.
Identifiers: ClinVar variation 979121 (VCV000979121.5), dbSNP rs774658482, ClinGen allele CA059912.

ClinVar aggregate classification (germline): Conflicting classifications of pathogenicity. Review status: criteria provided, conflicting classifications (1 of 4 stars). 5 submissions from 5 submitters: Uncertain significance (3); Benign (1); Likely benign (1). Last evaluated 2026-03-17.

Conditions:
Marfan syndrome (MFS). Also called: FBN1-Related Marfan Syndrome; MARFAN SYNDROME, TYPE I; Marfan syndrome type 1; Marfan's syndrome; Marfan syndrome, classic. Identifiers: Orphanet 284963, Orphanet 558, MedGen C0024796, MONDO:0007947, OMIM 154700.
Familial thoracic aortic aneurysm and aortic dissection (TAAD). Also called: Thoracic aortic aneurysms and dissections. Identifiers: Orphanet 91387, MedGen C4707243, MONDO:0019625.

Allele frequency attached by ClinVar (database versions not stated): gnomAD 0.00003 and 0.00004; gnomAD exomes below 0.00001; ExAC 0.00001; TOPMed 0.00005.

Submissions (5):

Ambry Genetics
Classification: Uncertain significance for Familial thoracic aortic aneurysm and aortic dissection. Last evaluated: 2026-03-17. Review status: criteria provided, single submitter. Criteria: Ambry Variant Classification Scheme 2023. Collection method: clinical testing. Allele origin: germline.
Comment: The p.H2770Y variant (also known as c.8308C>T), located in coding exon 65 of the FBN1 gene, results from a C to T substitution at nucleotide position 8308. The histidine at codon 2770 is replaced by tyrosine, an amino acid with similar properties. This variant was reported in individual(s) with features consistent with Marfan syndrome and related fibrillinopathies (Yang H et al. Clin Chim Acta, 2016 Aug;459:30-35). This amino acid position is not well conserved in available vertebrate species. In addition, this alteration is predicted to be tolerated by in silico analysis. Based on the available evidence, the clinical significance of this variant remains unclear.

Labcorp Genetics (formerly Invitae), Labcorp
Classification: Benign for Marfan syndrome; Familial thoracic aortic aneurysm and aortic dissection. Last evaluated: 2025-06-10. Review status: criteria provided, single submitter. Criteria: Invitae Variant Classification Sherloc (09022015). Collection method: clinical testing. Allele origin: germline.

Color Diagnostics, LLC DBA Color Health
Classification: Likely benign for Familial thoracic aortic aneurysm and aortic dissection. Last evaluated: 2024-09-23. Review status: criteria provided, single submitter. Criteria: ACMG Guidelines, 2015. Collection method: clinical testing. Allele origin: germline.

GeneDx
Classification: Uncertain significance. Last evaluated: 2023-03-07. Review status: criteria provided, single submitter. Criteria: GeneDx Variant Classification Process June 2021. Collection method: clinical testing. Allele origin: germline. Affected: yes.
Comment: Observed in a patient with Marfan or Marfan-like syndrome in published literature; however, the variant was also seen in both unaffected parents (PMID: 27611364, 27234404); Not observed at significant frequency in large population cohorts (gnomAD); In silico analysis supports that this missense variant has a deleterious effect on protein structure/function; This variant is associated with the following publications: (PMID: 27611364, 27234404)

Human Genome Sequencing Center Clinical Lab, Baylor College of Medicine
Classification: Uncertain significance for Marfan syndrome. Review status: criteria provided, single submitter. Criteria: ACMG Guidelines, 2015. Collection method: clinical testing. Allele origin: germline.

Literature cited by the submitters: PubMed 27234404 (cited by Ambry Genetics).